The following is an entry in ClinVar:

NM_001127178.3(PIGG):c.748C>A (p.Leu250Met)

Gene: PIGG (phosphatidylinositol glycan anchor biosynthesis class G (EMM blood group); plus strand). Cytogenetic location: 4p16.3.
Variant type: single nucleotide variant.
Coding change: c.748C>A on transcript NM_001127178.3 (MANE Select); coding-DNA position 748, C replaced by A.
Protein change: p.Leu250Met; replaces leucine 250 with methionine.
Molecular consequence: missense variant. On other transcripts: 5 prime UTR variant (4), non-coding transcript variant (10), intron variant (1).
Genome position (GRCh38, 1-based): chr4:507,582, C>A. VCF-style: chr4-507582-C-A. GRCh37 (hg19) VCF-style: chr4-501371-C-A.
Other names: c.481C>A, p.Leu161Met (NM_001289051.2, NM_001289053.2, NM_001289057.2 and 2 more transcripts); c.382C>A, p.Leu128Met (NM_001289055.2); c.-140C>A (NM_001345988.2); c.748C>A, p.Leu250Met (NM_001345989.2, NM_017733.5); c.-878C>A (NM_001345990.2); c.-740C>A (NM_001345991.2); c.-465C>A (NM_001345994.2); c.361-1247C>A (NM_001289052.2); short protein forms L128M, L161M, L250M.
Identifiers: ClinVar variation 1060789 (VCV001060789.7), dbSNP rs2108802312, ClinGen allele CA355897986.

ClinVar aggregate classification (germline): Uncertain significance (1 of 4 stars; one submission).

Conditions:
Intellectual disability, autosomal recessive 53 (NEDHSCA). Also called: GLYCOSYLPHOSPHATIDYLINOSITOL BIOSYNTHESIS DEFECT 13; Mental retardation, autosomal recessive 53; NEURODEVELOPMENTAL DISORDER WITH OR WITHOUT HYPOTONIA, SEIZURES, AND CEREBELLAR ATROPHY. Identifiers: Orphanet 488635, MedGen C4310794, MONDO:0014832, OMIM 616917.

Submission:

Labcorp Genetics (formerly Invitae), Labcorp
Classification: Uncertain significance for Intellectual disability, autosomal recessive 53. Last evaluated: 2024-05-15. Review status: criteria provided, single submitter. Criteria: Invitae Variant Classification Sherloc (09022015). Collection method: clinical testing. Allele origin: germline.
Comment: This sequence change replaces leucine, which is neutral and non-polar, with methionine, which is neutral and non-polar, at codon 250 of the PIGG protein (p.Leu250Met). This variant is not present in population databases (gnomAD no frequency). This variant has not been reported in the literature in individuals affected with PIGG-related conditions. ClinVar contains an entry for this variant (Variation ID: 1060789). Advanced modeling of protein sequence and biophysical properties (such as structural, functional, and spatial information, amino acid conservation, physicochemical variation, residue mobility, and thermodynamic stability) has been performed at Invitae for this missense variant, however the output from this modeling did not meet the statistical confidence thresholds required to predict the impact of this variant on PIGG protein function. In summary, the available evidence is currently insufficient to determine the role of this variant in disease. Therefore, it has been classified as a Variant of Uncertain Significance.